The following is an entry in ClinVar:

NM_024675.4(PALB2):c.94C>T (p.Leu32=)

Gene: PALB2 (partner and localizer of BRCA2; minus strand). Cytogenetic location: 16p12.2.
Variant type: single nucleotide variant.
Coding change: c.94C>T on transcript NM_024675.4 (MANE Select); coding-DNA position 94, C replaced by T.
Protein change: p.Leu32=; no amino-acid change (leucine 32 retained).
Molecular consequence: synonymous variant.
Genome position (GRCh38, 1-based): chr16:23,638,084, G>A on the plus strand (C>T on the coding strand, the complement: PALB2 is on the minus strand). VCF-style: chr16-23638084-G-A. GRCh37 (hg19) VCF-style: chr16-23649405-G-A.
Identifiers: ClinVar variation 507815 (VCV000507815.12), dbSNP rs151316635, ClinGen allele CA494167952.
Genomic context (GRCh38, chr16:23,638,084, plus strand): 5'-ATTGTTTGTACTATAACACCTTAATTTGAGAATACGATTCACTTACCTGAAGGCGGGCTA[G>A]TGTCTTGCTGTATTCCCTTTTCAAGAATGCTAATTTCTCCTTTAACTGGAAGAAGAAAAA-3'
Protein context (NP_078951.2, residues 22-42): AFLKREYSKT[Leu32=]ARLQRAQRAE

ClinVar aggregate classification (germline): Likely benign. Review status: criteria provided, multiple submitters, no conflicts (2 of 4 stars). 3 submissions from 3 submitters: Likely benign (3). Last evaluated 2023-06-16.

Conditions:
Hereditary cancer-predisposing syndrome. Also called: Hereditary neoplastic syndrome; Hereditary Cancer Syndrome; Neoplastic Syndromes, Hereditary; Tumor predisposition. Identifiers: Orphanet 140162, MedGen C0027672, MeSH D009386, MONDO:0015356.
Familial cancer of breast. Also called: hereditary breast carcinoma; BREAST CANCER, FAMILIAL; Hereditary breast cancer. Identifiers: Orphanet 227535, MedGen C0346153, MONDO:0016419, OMIM 114480. Disease mechanism: loss of function.

gnomAD v4.1: 1 of 1,614,010 alleles (0.000062%); highest among the groups gnomAD compares: Non-Finnish European, 0.000085%; no homozygotes.

Submissions (3):

Labcorp Genetics (formerly Invitae), Labcorp
Classification: Likely benign for Familial cancer of breast. Last evaluated: 2023-06-16. Review status: criteria provided, single submitter. Criteria: Invitae Variant Classification Sherloc (09022015). Collection method: clinical testing. Allele origin: germline.

Ambry Genetics
Classification: Likely benign for Hereditary cancer-predisposing syndrome. Last evaluated: 2020-09-02. Review status: criteria provided, single submitter. Criteria: Ambry Variant Classification Scheme 2023. Collection method: clinical testing. Allele origin: germline.

GeneDx
Classification: Likely benign. Last evaluated: 2017-02-28. Review status: criteria provided, single submitter. Criteria: GeneDx Variant Classification (06012015). Collection method: clinical testing. Allele origin: germline. Affected: yes.
Comment: This variant is considered likely benign or benign based on one or more of the following criteria: it is a conservative change, it occurs at a poorly conserved position in the protein, it is predicted to be benign by multiple in silico algorithms, and/or has population frequency not consistent with disease.